The following is an entry in ClinVar:

ClinVar aggregate classification (germline): Likely benign (0 of 4 stars; one submission).

Conditions:
DNAH2-related disorder. Also called: DNAH2-related condition.

Allele frequency attached by ClinVar (database versions not stated): gnomAD 0.00001; ExAC 0.00002.
gnomAD v4.1: 12 of 1,613,838 alleles (0.00074%); highest among the groups gnomAD compares: Admixed American, 0.0017%; no homozygotes.

Submission:

PreventionGenetics, part of Exact Sciences
Classification: Likely benign for DNAH2-related condition. Last evaluated: 2019-05-01. Review status: no assertion criteria provided. Collection method: clinical testing. Allele origin: germline.
Comment: This variant is classified as likely benign based on ACMG/AMP sequence variant interpretation guidelines (Richards et al. 2015 PMID: 25741868, with internal and published modifications).

NM_020877.5(DNAH2):c.12474C>T (p.Ala4158=)

Gene: DNAH2 (dynein axonemal heavy chain 2; plus strand). Cytogenetic location: 17p13.1.
Variant type: single nucleotide variant.
Coding change: c.12474C>T on transcript NM_020877.5 (MANE Select); coding-DNA position 12474, C replaced by T.
Protein change: p.Ala4158=; no amino-acid change (alanine 4158 retained).
Molecular consequence: synonymous variant.
Genome position (GRCh38, 1-based): chr17:7,831,404, C>T. VCF-style: chr17-7831404-C-T. GRCh37 (hg19) VCF-style: chr17-7734722-C-T.
Identifiers: ClinVar variation 3037175 (VCV003037175.2), dbSNP rs780375599, ClinGen allele CA8359751.
Genomic context (GRCh38, chr17:7,831,404, plus strand): 5'-AGTGATGAGAAGAGGGGGCTACACTCAAGAGCTCCTGCCTGCTCAGGTCCTTGAGTTGGC[C>T]GCTGATGTGAAGCAGAAGATCCCTGAAATGATCGACTATGAGGGGACTCAAAAACTGCTA-3'
Protein context (NP_065928.2, residues 4148-4168): QTREEKVLEL[Ala4158=]ADVKQKIPEM